The following is an entry in ClinVar:

ClinVar aggregate classification (germline): Likely pathogenic (1 of 4 stars; one submission).

Conditions:
Primary ciliary dyskinesia 23 (CILD23). Also called: CILIARY DYSKINESIA, PRIMARY, 23, WITH OR WITHOUT SITUS INVERSUS. Identifiers: Orphanet 244, MedGen C3809548, MONDO:0014193, OMIM 615451.

Submission:

The Research Institute of Tuberculosis, Japan Anti-Tuberculosis Association
Classification: Likely pathogenic for Primary ciliary dyskinesia 23. Last evaluated: 2026-03-27. Review status: criteria provided, single submitter. Criteria: ACMG Guidelines, 2015. Collection method: research. Allele origin: germline. Inheritance: Autosomal recessive inheritance. Affected: yes.
Comment: Classification derived from Franklin (Genoox) summary and internal review. ACMG/AMP guidelines were applied for SNV/indel interpretation. Final classification: Likely pathogenic. This variant is a null variant (STOP_GAIN) in a gene where loss of function is an established mechanism of disease, supporting PVS1. This variant is absent or present at extremely low frequency in population databases (gnomAD: exome 0.00068; genome 0), supporting PM2. Evidence (ACMG/AMP codes): PVS1, PM2.

Literature cited by the submitters: PubMed 39462806.

NM_018076.5(ODAD2):c.2302C>T (p.Gln768Ter)

Gene: ODAD2 (outer dynein arm docking complex subunit 2; minus strand). Cytogenetic location: 10p12.1.
Variant type: single nucleotide variant.
Coding change: c.2302C>T on transcript NM_018076.5 (MANE Select); coding-DNA position 2302, C replaced by T.
Protein change: p.Gln768Ter; replaces glutamine 768 with a stop codon.
Molecular consequence: nonsense.
Genome position (GRCh38, 1-based): chr10:27,935,203, G>A on the plus strand (C>T on the coding strand, the complement: ODAD2 is on the minus strand). VCF-style: chr10-27935203-G-A. GRCh37 (hg19) VCF-style: chr10-28224132-G-A.
Other names: c.2302C>T, p.Gln768Ter (NM_001290020.2); c.877C>T, p.Gln293Ter (NM_001290021.2); c.1378C>T, p.Gln460Ter (NM_001312689.2); short protein forms Q293*, Q460*, Q768*.
Identifiers: ClinVar variation 4818925 (VCV004818925.1).
Genomic context (GRCh38, chr10:27,935,203, plus strand): 5'-CACGTTCTTGGCAGCATTCTCCCAAGGCCCCAACCACATTCACAAGTACTTCTTCAGGCT[G>A]ATCTGTTAGAAGTCCCACCAAGGTTTCAATGGCTTTGTATTCCCGAAACCTAAGTTCATC-3'